The following is an entry in ClinVar:

NM_000398.7(CYB5R3):c.431G>A (p.Gly144Asp)

Gene: CYB5R3 (cytochrome b5 reductase 3; minus strand). Cytogenetic location: 22q13.2.
Variant type: single nucleotide variant.
Coding change: c.431G>A on transcript NM_000398.7 (MANE Select); coding-DNA position 431, G replaced by A.
Protein change: p.Gly144Asp; replaces glycine 144 with aspartic acid.
Molecular consequence: missense variant.
Genome position (GRCh38, 1-based): chr22:42,628,184, C>T on the plus strand (G>A on the coding strand, the complement: CYB5R3 is on the minus strand). VCF-style: chr22-42628184-C-T. GRCh37 (hg19) VCF-style: chr22-43024190-C-T.
Other names: c.362G>A, p.Gly121Asp (NM_001129819.2, NM_001171661.1, NM_007326.4); c.530G>A, p.Gly177Asp (NM_001171660.2); short protein forms G121D, G144D, G177D.
Identifiers: ClinVar variation 4710632 (VCV004710632.1).

ClinVar aggregate classification (germline): Likely pathogenic (1 of 4 stars; one submission).

gnomAD v4.1: 9 of 1,614,086 alleles (0.00056%); highest among the groups gnomAD compares: Non-Finnish European, 0.00076%; no homozygotes.

Submission:

Labcorp Genetics (formerly Invitae), Labcorp
Classification: Likely pathogenic. Last evaluated: 2025-05-22. Review status: criteria provided, single submitter. Criteria: Invitae Variant Classification Sherloc (09022015). Collection method: clinical testing. Allele origin: germline.
Comment: This sequence change replaces glycine, which is neutral and non-polar, with aspartic acid, which is acidic and polar, at codon 144 of the CYB5R3 protein (p.Gly144Asp). This variant is present in population databases (no rsID available, gnomAD 0.0009%). This missense change has been observed in individual(s) with methemoglobinemia (PMID: 17964195, 37025988). It has also been observed to segregate with disease in related individuals. This variant is also known as G143D. Invitae Evidence Modeling of protein sequence and biophysical properties (such as structural, functional, and spatial information, amino acid conservation, physicochemical variation, residue mobility, and thermodynamic stability) indicates that this missense variant is expected to disrupt CYB5R3 protein function with a positive predictive value of 95%. In summary, the currently available evidence indicates that the variant is pathogenic, but additional data are needed to prove that conclusively. Therefore, this variant has been classified as Likely Pathogenic.

Literature cited by the submitters: PubMed 17964195; PubMed 37025988.